The following is an entry in ClinVar:

NM_000135.4(FANCA):c.2918G>C (p.Cys973Ser)

Gene: FANCA (FA complementation group A; minus strand). Cytogenetic location: 16q24.3.
Variant type: single nucleotide variant.
Coding change: c.2918G>C on transcript NM_000135.4 (MANE Select); coding-DNA position 2918, G replaced by C.
Protein change: p.Cys973Ser; replaces cysteine 973 with serine.
Molecular consequence: missense variant.
Genome position (GRCh38, 1-based): chr16:89,758,640, C>G on the plus strand (G>C on the coding strand, the complement: FANCA is on the minus strand). VCF-style: chr16-89758640-C-G. GRCh37 (hg19) VCF-style: chr16-89825048-C-G.
Other names: c.2918G>C, p.Cys973Ser (NM_001286167.3); short protein forms C973S.
Identifiers: ClinVar variation 4812231 (VCV004812231.1).

ClinVar aggregate classification (germline): Uncertain significance (1 of 4 stars; one submission).

Conditions:
Fanconi anemia (FA). Also called: Fanconi's anemia. Identifiers: Orphanet 84, MedGen C0015625, MeSH D005199, MONDO:0019391.

gnomAD v4.1: 4 of 1,614,102 alleles (0.00025%); highest among the groups gnomAD compares: Non-Finnish European, 0.00034%; no homozygotes.

Submission:

Labcorp Genetics (formerly Invitae), Labcorp
Classification: Uncertain significance for Fanconi anemia. Last evaluated: 2025-02-15. Review status: criteria provided, single submitter. Criteria: Invitae Variant Classification Sherloc (09022015). Collection method: clinical testing. Allele origin: germline.
Comment: This sequence change replaces cysteine, which is neutral and slightly polar, with serine, which is neutral and polar, at codon 973 of the FANCA protein (p.Cys973Ser). This variant is not present in population databases (gnomAD no frequency). This variant has not been reported in the literature in individuals affected with FANCA-related conditions. Invitae Evidence Modeling of protein sequence and biophysical properties (such as structural, functional, and spatial information, amino acid conservation, physicochemical variation, residue mobility, and thermodynamic stability) has been performed for this missense variant. However, the output from this modeling did not meet the statistical confidence thresholds required to predict the impact of this variant on FANCA protein function. In summary, the available evidence is currently insufficient to determine the role of this variant in disease. Therefore, it has been classified as a Variant of Uncertain Significance.